The following is an entry in ClinVar:

ClinVar aggregate classification (germline): Uncertain significance. Review status: criteria provided, multiple submitters, no conflicts (2 of 4 stars). 2 submissions from 2 submitters: Uncertain significance (2). Last evaluated 2025-03-20.

Conditions:
Ehlers-Danlos syndrome, type 4 (EDSVASC). Also called: Ehlers-Danlos Syndrome Type IV; Ehlers-Danlos syndrome vascular type; Ehlers Danlos syndrome, ecchymotic type; Ehlers Danlos syndrome, arterial type; Ehlers Danlos syndrome, Sack-Barabas type. Identifiers: Orphanet 286, MedGen C0268338, MONDO:0017314, OMIM 130050.

Allele frequency attached by ClinVar (database versions not stated): gnomAD exomes below 0.00001; TOPMed below 0.00001.
gnomAD v4.1: 2 of 1,613,084 alleles (0.00012%); highest among the groups gnomAD compares: Non-Finnish European, 0.00017%; no homozygotes.

Submissions (2):

Labcorp Genetics (formerly Invitae), Labcorp
Classification: Uncertain significance for Ehlers-Danlos syndrome, type 4. Last evaluated: 2025-03-20. Review status: criteria provided, single submitter. Criteria: Invitae Variant Classification Sherloc (09022015). Collection method: clinical testing. Allele origin: germline.
Comment: This sequence change replaces valine, which is neutral and non-polar, with leucine, which is neutral and non-polar, at codon 166 of the COL3A1 protein (p.Val166Leu). This variant is not present in population databases (gnomAD no frequency). This variant has not been reported in the literature in individuals affected with COL3A1-related conditions. ClinVar contains an entry for this variant (Variation ID: 3071085). Invitae Evidence Modeling of protein sequence and biophysical properties (such as structural, functional, and spatial information, amino acid conservation, physicochemical variation, residue mobility, and thermodynamic stability) indicates that this missense variant is not expected to disrupt COL3A1 protein function with a negative predictive value of 95%. In summary, the available evidence is currently insufficient to determine the role of this variant in disease. Therefore, it has been classified as a Variant of Uncertain Significance.

All of Us Research Program, National Institutes of Health
Classification: Uncertain significance for Ehlers-Danlos syndrome, type 4. Last evaluated: 2023-05-16. Review status: criteria provided, single submitter. Criteria: ACMG Guidelines, 2015. Collection method: clinical testing. Allele origin: germline. Inheritance: Autosomal dominant inheritance. Observed: 1 variant allele, 1 heterozygote.
Comment: This missense variant replaces valine with leucine at codon 166 of the COL3A1 protein. Computational prediction suggests that this variant may not impact protein structure and function (internally defined REVEL score threshold <= 0.5, PMID: 27666373). To our knowledge, functional studies have not been reported for this variant. This variant has not been reported in individuals affected with COL3A1-related disorders in the literature. This variant has not been identified in the general population by the Genome Aggregation Database (gnomAD). The available evidence is insufficient to determine the role of this variant in disease conclusively. Therefore, this variant is classified as a Variant of Uncertain Significance.

This study involves interpretation of variants in research participants for the purpose of population health screening. Participant phenotype was not available at the time of variant classification. Additional details can be found in publication PMID: 35346344, PMCID: PMC8962531

NM_000090.4(COL3A1):c.496G>C (p.Val166Leu)

Gene: COL3A1 (collagen type III alpha 1 chain; plus strand). Cytogenetic location: 2q32.2.
Variant type: single nucleotide variant.
Coding change: c.496G>C on transcript NM_000090.4 (MANE Select); coding-DNA position 496, G replaced by C.
Protein change: p.Val166Leu; replaces valine 166 with leucine.
Molecular consequence: missense variant.
Genome position (GRCh38, 1-based): chr2:188,987,107, G>C. VCF-style: chr2-188987107-G-C. GRCh37 (hg19) VCF-style: chr2-189851833-G-C.
Other names: short protein forms V166L.
Identifiers: ClinVar variation 3071085 (VCV003071085.2), dbSNP rs1413992277, ClinGen allele CA349848137.
Genomic context (GRCh38, chr2:188,987,107, plus strand): 5'-TCCTTGCCACAGAACTATTCTCCCCAGTATGATTCATATGATGTCAAGTCTGGAGTAGCA[G>C]TAGGAGGACTCGCAGGCTATCCTGGACCAGCTGTACGTACAAATGTTTCTCAGCATTTTG-3'
Protein context (NP_000081.2, residues 156-176): DSYDVKSGVA[Val166Leu]GGLAGYPGPA